The following is an entry in ClinVar:

NM_024675.4(PALB2):c.839A>T (p.Asn280Ile)

Gene: PALB2 (partner and localizer of BRCA2; minus strand). Cytogenetic location: 16p12.2.
Variant type: single nucleotide variant.
Coding change: c.839A>T on transcript NM_024675.4 (MANE Select); coding-DNA position 839, A replaced by T.
Protein change: p.Asn280Ile; replaces asparagine 280 with isoleucine.
Molecular consequence: missense variant.
Genome position (GRCh38, 1-based): chr16:23,635,707, T>A on the plus strand (A>T on the coding strand, the complement: PALB2 is on the minus strand). VCF-style: chr16-23635707-T-A. GRCh37 (hg19) VCF-style: chr16-23647028-T-A.
Other names: short protein forms N280I.
Identifiers: ClinVar variation 822376 (VCV000822376.4), dbSNP rs1597098100, ClinGen allele CA395135914.
Genomic context (GRCh38, chr16:23,635,707, plus strand): 5'-GTAGAGACAGTCATTTTTTTGCCTTGTGCCTCCAAACTTACAGGTGAAGTAAATCTAATG[T>A]TTTTTAGGTCGTGAGTAGTAAGTTCACTGCTACCTTTAGGAGGAATGTGTTCAAGGTGCT-3'
Protein context (NP_078951.2, residues 270-290): SSELTTHDLK[Asn280Ile]IRFTSPVSLE

ClinVar aggregate classification (germline): Uncertain significance (1 of 4 stars; one submission).

Conditions:
Hereditary cancer-predisposing syndrome. Also called: Tumor predisposition; Hereditary Cancer Syndrome; Neoplastic Syndromes, Hereditary; Hereditary neoplastic syndrome. Identifiers: Orphanet 140162, MedGen C0027672, MeSH D009386, MONDO:0015356.

Submission:

Ambry Genetics
Classification: Uncertain significance for Hereditary cancer-predisposing syndrome. Last evaluated: 2019-12-20. Review status: criteria provided, single submitter. Criteria: Ambry Variant Classification Scheme 2023. Collection method: clinical testing. Allele origin: germline.
Comment: The p.N280I variant (also known as c.839A>T), located in coding exon 4 of the PALB2 gene, results from an A to T substitution at nucleotide position 839. The asparagine at codon 280 is replaced by isoleucine, an amino acid with dissimilar properties. This amino acid position is not well conserved in available vertebrate species. In addition, this alteration is predicted to be tolerated by in silico analysis. Since supporting evidence is limited at this time, the clinical significance of this alteration remains unclear.